The following is an entry in ClinVar:

NM_152558.5(IQCE):c.1180C>T (p.Arg394Ter)

Gene: IQCE (IQ motif containing E; plus strand). Cytogenetic location: 7p22.3.
Variant type: single nucleotide variant.
Coding change: c.1180C>T on transcript NM_152558.5 (MANE Select); coding-DNA position 1180, C replaced by T.
Protein change: p.Arg394Ter; replaces arginine 394 with a stop codon.
Molecular consequence: nonsense.
Genome position (GRCh38, 1-based): chr7:2,590,042, C>T. VCF-style: chr7-2590042-C-T. GRCh37 (hg19) VCF-style: chr7-2629676-C-T.
Other names: c.1180C>T, p.Arg394Ter (NM_001287499.2); c.1132C>T, p.Arg378Ter (NM_001287500.2, NM_001410865.1); c.985C>T, p.Arg329Ter (NM_001287501.2, NM_001287502.2); short protein forms R329*, R378*, R394*.
Identifiers: ClinVar variation 3350769 (VCV003350769.1).

ClinVar aggregate classification (germline): Likely pathogenic (0 of 4 stars; one submission).

Conditions:
IQCE-related disorder. Also called: IQCE-related condition.

gnomAD v4.1: 132 of 1,613,524 alleles (0.0082%); highest among the groups gnomAD compares: Admixed American, 0.027%; no homozygotes.

Submission:

PreventionGenetics, part of Exact Sciences
Classification: Likely pathogenic for IQCE-related condition. Last evaluated: 2024-03-14. Review status: no assertion criteria provided. Collection method: clinical testing. Allele origin: germline.
Comment: The IQCE c.1180C>T variant is predicted to result in premature protein termination (p.Arg394*). To our knowledge, this variant has not been reported in the literature. This variant is reported in 0.042% of alleles in individuals of Latino descent in gnomAD. Nonsense variants in IQCE are expected to be pathogenic. This variant is interpreted as likely pathogenic.